The following is an entry in ClinVar:

ClinVar aggregate classification (germline): Uncertain significance (1 of 4 stars; one submission).

Allele frequency attached by ClinVar (database versions not stated): gnomAD exomes 0.00001; TOPMed 0.00001.
gnomAD v4.1: 7 of 1,613,158 alleles (0.00043%); highest among the groups gnomAD compares: South Asian, 0.0033%; no homozygotes.

Submission:

Labcorp Genetics (formerly Invitae), Labcorp
Classification: Uncertain significance. Last evaluated: 2025-12-19. Review status: criteria provided, single submitter. Criteria: Invitae Variant Classification Sherloc (09022015). Collection method: clinical testing. Allele origin: germline.
Comment: This sequence change replaces aspartic acid, which is acidic and polar, with asparagine, which is neutral and polar, at codon 467 of the DCHS1 protein (p.Asp467Asn). This variant is not present in population databases (gnomAD no frequency). This variant has not been reported in the literature in individuals affected with DCHS1-related conditions. ClinVar contains an entry for this variant (Variation ID: 1519823). Invitae Evidence Modeling of protein sequence and biophysical properties (such as structural, functional, and spatial information, amino acid conservation, physicochemical variation, residue mobility, and thermodynamic stability) indicates that this missense variant is not expected to disrupt DCHS1 protein function with a negative predictive value of 80%. In summary, the available evidence is currently insufficient to determine the role of this variant in disease. Therefore, it has been classified as a Variant of Uncertain Significance.

NM_003737.4(DCHS1):c.1399G>A (p.Asp467Asn)

Gene: DCHS1 (dachsous cadherin-related 1; minus strand). Cytogenetic location: 11p15.4.
Variant type: single nucleotide variant.
Coding change: c.1399G>A on transcript NM_003737.4 (MANE Select); coding-DNA position 1399, G replaced by A.
Protein change: p.Asp467Asn; replaces aspartic acid 467 with asparagine.
Molecular consequence: missense variant.
Genome position (GRCh38, 1-based): chr11:6,640,215, C>T on the plus strand (G>A on the coding strand, the complement: DCHS1 is on the minus strand). VCF-style: chr11-6640215-C-T. GRCh37 (hg19) VCF-style: chr11-6661446-C-T.
Other names: short protein forms D467N.
Identifiers: ClinVar variation 1519823 (VCV001519823.6), dbSNP rs1328622821, ClinGen allele CA379432469.